The following is an entry in ClinVar:

NM_152564.5(VPS13B):c.3083-2A>C

Gene: VPS13B (vacuolar protein sorting 13 homolog B; plus strand). Cytogenetic location: 8q22.2.
Variant type: single nucleotide variant.
Coding change: c.3083-2A>C on transcript NM_152564.5 (MANE Select); the canonical splice acceptor site of the intron before coding-DNA position 3083, A replaced by C.
Molecular consequence: splice acceptor variant.
Genome position (GRCh38, 1-based): chr8:99,431,535, A>C. VCF-style: chr8-99431535-A-C. GRCh37 (hg19) VCF-style: chr8-100443763-A-C.
Other names: c.3083-2A>C (NM_017890.5).
Identifiers: ClinVar variation 555595 (VCV000555595.12), dbSNP rs1456528242, ClinGen allele CA371867987.

ClinVar aggregate classification (germline): Likely pathogenic. Review status: criteria provided, single submitter (1 of 4 stars). 3 submissions from 3 submitters: Likely pathogenic (1). 2 of the submissions do not count toward it. Last evaluated 2025-06-18.

Conditions:
Cohen syndrome (COH1). Also called: Cutis verticis gyrata, retinitis pigmentosa, and sensorineural deafness; PEPPER SYNDROME. Identifiers: Orphanet 193, MedGen C0265223, MONDO:0008999, OMIM 216550.

Allele frequency attached by ClinVar (database versions not stated): gnomAD exomes below 0.00001 and 0.00001.
gnomAD v4.1: 2 of 1,613,300 alleles (0.00012%); highest among the groups gnomAD compares: East Asian, 0.0045%; no homozygotes.

Submissions (3):

Labcorp Genetics (formerly Invitae), Labcorp
Classification: Likely pathogenic for Cohen syndrome. Last evaluated: 2025-06-18. Review status: criteria provided, single submitter. Criteria: Invitae Variant Classification Sherloc (09022015). Collection method: clinical testing. Allele origin: germline.
Comment: This sequence change affects an acceptor splice site in intron 21 of the VPS13B gene. It is expected to disrupt RNA splicing. Variants that disrupt the donor or acceptor splice site typically lead to a loss of protein function (PMID: 16199547), and loss-of-function variants in VPS13B are known to be pathogenic (PMID: 15141358, 16648375, 20461111). This variant is present in population databases (no rsID available, gnomAD 0.01%). This variant has not been reported in the literature in individuals affected with VPS13B-related conditions. ClinVar contains an entry for this variant (Variation ID: 555595). Algorithms developed to predict the effect of sequence changes on RNA splicing suggest that this variant may disrupt the consensus splice site. In summary, the currently available evidence indicates that the variant is pathogenic, but additional data are needed to prove that conclusively. Therefore, this variant has been classified as Likely Pathogenic.

Natera, Inc.
Classification: Likely pathogenic for Cohen syndrome. Last evaluated: 2021-05-19. Review status: no assertion criteria provided. Collection method: clinical testing. Allele origin: germline. Not counted in ClinVar's aggregate classification.

Counsyl
Classification: Likely pathogenic for Cohen syndrome. Last evaluated: 2017-12-13. Review status: no assertion criteria provided. Collection method: clinical testing. Allele origin: unknown. Not counted in ClinVar's aggregate classification.

Literature cited by the submitters: PubMed 16199547 (cited by Labcorp Genetics (formerly Invitae), Labcorp); PubMed 15141358 (cited by Labcorp Genetics (formerly Invitae), Labcorp); PubMed 16648375 (cited by Labcorp Genetics (formerly Invitae), Labcorp); PubMed 20461111 (cited by Labcorp Genetics (formerly Invitae), Labcorp).